The following is an entry in ClinVar:

NC_000003.11:g.(?_30713110)_(30715758_?)dup

Gene: TGFBR2 (transforming growth factor beta receptor 2; plus strand). Cytogenetic location: 3p24.1.
Variant type: Duplication.
Identifiers: ClinVar variation 2424662 (VCV002424662.4).

ClinVar aggregate classification (germline): Uncertain significance (1 of 4 stars; one submission).

Conditions:
Familial thoracic aortic aneurysm and aortic dissection (TAAD). Also called: Thoracic aortic aneurysms and dissections. Identifiers: Orphanet 91387, MedGen C4707243, MONDO:0019625.

Submission:

Labcorp Genetics (formerly Invitae), Labcorp
Classification: Uncertain significance for Familial thoracic aortic aneurysm and aortic dissection. Last evaluated: 2022-02-23. Review status: criteria provided, single submitter. Criteria: Invitae Variant Classification Sherloc (09022015). Collection method: clinical testing. Allele origin: germline.
Comment: This variant results in a copy number gain of the genomic region encompassing exon(s) 4-5 of the TGFBR2 gene. While the exact position of this variant cannot be determined from the data, sub-genic copy number gains are generally in tandem (PMID: 25640679). This variant is predicted to be in-frame, and likely preserves the integrity of the reading frame. In summary, the available evidence is currently insufficient to determine the role of this variant in disease. Therefore, it has been classified as a Variant of Uncertain Significance. Experimental studies and prediction algorithms are not available or were not evaluated, and the functional significance of this variant is currently unknown. This variant has not been reported in the literature in individuals affected with TGFBR2-related conditions.

Literature cited by the submitters: PubMed 25640679.